The following is an entry in ClinVar:

ClinVar aggregate classification (germline): Uncertain significance (1 of 4 stars; one submission).

Submission:

Labcorp Genetics (formerly Invitae), Labcorp
Classification: Uncertain significance. Last evaluated: 2025-01-19. Review status: criteria provided, single submitter. Criteria: Invitae Variant Classification Sherloc (09022015). Collection method: clinical testing. Allele origin: germline.
Comment: This sequence change replaces alanine, which is neutral and non-polar, with valine, which is neutral and non-polar, at codon 1300 of the RAI1 protein (p.Ala1300Val). This variant is not present in population databases (gnomAD no frequency). This variant has not been reported in the literature in individuals affected with RAI1-related conditions. An algorithm developed to predict the effect of missense changes on protein structure and function outputs the following: PolyPhen-2: "Benign". The valine amino acid residue is found in multiple mammalian species, which suggests that this missense change does not adversely affect protein function. In summary, the available evidence is currently insufficient to determine the role of this variant in disease. Therefore, it has been classified as a Variant of Uncertain Significance.

NM_030665.4(RAI1):c.3899C>T (p.Ala1300Val)

Gene: RAI1 (retinoic acid induced 1; plus strand). Cytogenetic location: 17p11.2.
Variant type: single nucleotide variant.
Coding change: c.3899C>T on transcript NM_030665.4 (MANE Select); coding-DNA position 3899, C replaced by T.
Protein change: p.Ala1300Val; replaces alanine 1300 with valine.
Molecular consequence: missense variant.
Genome position (GRCh38, 1-based): chr17:17,796,847, C>T. VCF-style: chr17-17796847-C-T. GRCh37 (hg19) VCF-style: chr17-17700161-C-T.
Other names: short protein forms A1300V.
Identifiers: ClinVar variation 3729195 (VCV003729195.2).